The following is an entry in ClinVar:

NM_020376.4(PNPLA2):c.1266G>A (p.Trp422Ter)

Gene: PNPLA2 (patatin like domain 2, triacylglycerol lipase; plus strand). Cytogenetic location: 11p15.5.
Variant type: single nucleotide variant.
Coding change: c.1266G>A on transcript NM_020376.4 (MANE Select); coding-DNA position 1266, G replaced by A.
Protein change: p.Trp422Ter; replaces tryptophan 422 with a stop codon.
Molecular consequence: nonsense.
Genome position (GRCh38, 1-based): chr11:824,613, G>A. VCF-style: chr11-824613-G-A. GRCh37 (hg19) VCF-style: chr11-824613-G-A.
Other names: p.Trp422*; short protein forms W422*.
Identifiers: ClinVar variation 632176 (VCV000632176.15), dbSNP rs944560685, ClinGen allele CA216972144.

ClinVar aggregate classification (germline): Conflicting classifications of pathogenicity. Review status: criteria provided, conflicting classifications (1 of 4 stars). 4 submissions from 4 submitters: Likely pathogenic (1); Uncertain significance (2). 1 of the submissions does not count toward it. Last evaluated 2022-11-01.

Conditions:
PNPLA2-related disorder. Also called: PNPLA2-related condition.
Neutral lipid storage myopathy (NLSDM). Also called: NEUTRAL LIPID STORAGE DISEASE WITHOUT ICHTHYOSIS. Identifiers: Orphanet 98908, MedGen C1853136, MONDO:0012545, OMIM 610717.

Allele frequency attached by ClinVar (database versions not stated): gnomAD 0.00001 and 0.00002; TOPMed 0.00001; 1000 Genomes Project 30x 0.00031.
gnomAD v4.1: 73 of 1,593,954 alleles (0.0046%); highest among the groups gnomAD compares: Non-Finnish European, 0.0061%; no homozygotes.

Submissions (4):

Labcorp Genetics (formerly Invitae), Labcorp
Classification: Uncertain significance for Neutral lipid storage myopathy. Last evaluated: 2022-11-01. Review status: criteria provided, single submitter. Criteria: Invitae Variant Classification Sherloc (09022015). Collection method: clinical testing. Allele origin: germline.
Comment: This sequence change creates a premature translational stop signal (p.Trp422*) in the PNPLA2 gene. While this is not anticipated to result in nonsense mediated decay, it is expected to disrupt the last 83 amino acid(s) of the PNPLA2 protein. This variant is present in population databases (no rsID available, gnomAD 0.006%). This variant has not been reported in the literature in individuals affected with PNPLA2-related conditions. ClinVar contains an entry for this variant (Variation ID: 632176). Experimental studies and prediction algorithms are not available or were not evaluated, and the functional significance of this variant is currently unknown. In summary, the available evidence is currently insufficient to determine the role of this variant in disease. Therefore, it has been classified as a Variant of Uncertain Significance.

Mayo Clinic Laboratories, Mayo Clinic
Classification: Likely pathogenic. Last evaluated: 2021-12-10. Review status: criteria provided, single submitter. Criteria: ACMG Guidelines, 2015. Collection method: clinical testing. Allele origin: germline.
Comment: PM2, PVS1_strong

Revvity Omics, Revvity
Classification: Uncertain significance for Neutral lipid storage myopathy. Last evaluated: 2021-05-31. Review status: criteria provided, single submitter. Criteria: ACMG Guidelines, 2015. Collection method: clinical testing. Allele origin: germline.

PreventionGenetics, part of Exact Sciences
Classification: Uncertain significance for PNPLA2-related condition. Last evaluated: 2024-05-08. Review status: no assertion criteria provided. Collection method: clinical testing. Allele origin: germline. Not counted in ClinVar's aggregate classification.
Comment: The PNPLA2 c.1266G>A variant is predicted to result in premature protein termination (p.Trp422*). To our knowledge, this variant has not been reported in the literature. This variant is reported in 0.0055% of alleles in individuals of European (Non-Finnish) descent in gnomAD. Although we suspect that this variant may be pathogenic, at this time, the clinical significance of this variant is uncertain due to the absence of conclusive functional and genetic evidence.